The following is an entry in ClinVar:

NM_001378454.1(ALMS1):c.4426A>G (p.Ser1476Gly)

Gene: ALMS1 (ALMS1 centrosome and basal body associated protein; plus strand). Cytogenetic location: 2p13.1.
Variant type: single nucleotide variant.
Coding change: c.4426A>G on transcript NM_001378454.1 (MANE Select); coding-DNA position 4426, A replaced by G.
Protein change: p.Ser1476Gly; replaces serine 1476 with glycine.
Molecular consequence: missense variant.
Genome position (GRCh38, 1-based): chr2:73,450,953, A>G. VCF-style: chr2-73450953-A-G. GRCh37 (hg19) VCF-style: chr2-73678080-A-G.
Other names: c.4429A>G, p.Ser1477Gly (NM_015120.4); short protein forms S1476G, S1477G.
Identifiers: ClinVar variation 2871434 (VCV002871434.1), dbSNP rs1671924234, ClinGen allele CA347278508.

ClinVar aggregate classification (germline): Uncertain significance (1 of 4 stars; one submission).

Conditions:
Alstrom syndrome (ALMS). Identifiers: Orphanet 64, MedGen C0268425, MONDO:0008763, OMIM 203800.

Submission:

Labcorp Genetics (formerly Invitae), Labcorp
Classification: Uncertain significance for Alstrom syndrome. Last evaluated: 2023-07-06. Review status: criteria provided, single submitter. Criteria: Invitae Variant Classification Sherloc (09022015). Collection method: clinical testing. Allele origin: germline.
Comment: This sequence change replaces serine, which is neutral and polar, with glycine, which is neutral and non-polar, at codon 1477 of the ALMS1 protein (p.Ser1477Gly). This variant is not present in population databases (gnomAD no frequency). This variant has not been reported in the literature in individuals affected with ALMS1-related conditions. Experimental studies and prediction algorithms are not available or were not evaluated, and the functional significance of this variant is currently unknown. In summary, the available evidence is currently insufficient to determine the role of this variant in disease. Therefore, it has been classified as a Variant of Uncertain Significance.